The following is an entry in ClinVar:

ClinVar aggregate classification (germline): Uncertain significance (1 of 4 stars; one submission).

Submission:

GeneDx
Classification: Uncertain significance. Last evaluated: 2023-12-18. Review status: criteria provided, single submitter. Criteria: GeneDx Variant Classification Process June 2021. Collection method: clinical testing. Allele origin: germline. Affected: yes.
Comment: Not observed at significant frequency in large population cohorts (gnomAD); Frameshift variant predicted to result in abnormal protein length as the last 8 amino acids are replaced with 34 different amino acids; Has not been previously published as pathogenic or benign to our knowledge

NM_024120.5(NDUFAF5):c.1011del (p.Met338fs)

Gene: NDUFAF5 (NADH:ubiquinone oxidoreductase complex assembly factor 5; plus strand). Cytogenetic location: 20p12.1.
Variant type: Deletion.
Coding change: c.1011del on transcript NM_024120.5 (MANE Select); coding-DNA position 1011, one base deleted (T; older notation c.1011delT).
Protein change: p.Met338fs; shifts the reading frame from methionine 338.
Molecular consequence: frameshift variant. On other transcripts: non-coding transcript variant (7).
Genome position (GRCh38, 1-based): chr20:13,817,183, T deleted; the last of 2 consecutive T bases (chr20:13,817,182-13,817,183); deleting either gives the same sequence. VCF-style (leftmost placement, unchanged base first): chr20-13817181-CT-C. GRCh37 (hg19) VCF-style: chr20-13797827-CT-C.
Other names: c.927del, p.Met310fs (NM_001039375.3); c.540del, p.Met181fs (NM_001352403.2); c.450del, p.Met151fs (NM_001352406.2, NM_001352407.2); short protein forms M151fs, M181fs, M310fs, M338fs.
Identifiers: ClinVar variation 3365962 (VCV003365962.1).